The following is an entry in ClinVar:

ClinVar aggregate classification (germline): Likely pathogenic (1 of 4 stars; one submission).

Conditions:
Autosomal recessive polycystic kidney disease (ARPKD). Also called: AR polycystic kidney disease. Identifiers: Orphanet 731, Orphanet 8378, MedGen C0085548, MeSH D017044, MONDO:0009889.

Submission:

Natera, Inc.
Classification: Likely pathogenic for Autosomal recessive polycystic kidney disease. Last evaluated: 2024-07-08. Review status: criteria provided, single submitter. Criteria: Natera Variant Classification Schema (03/2026). Collection method: clinical testing. Allele origin: germline.
Comment: The c.11319_11325del variant in PKHD1 is a frameshift variant predicted to shift the reading frame beginning at codon 3773 and leads to a stop codon 24 codons downstream. This variant is expected to result in nonsense mediated decay, truncation, or a dysfunctional protein product. This variant is rare in the general population with a frequency below the threshold expected for the associated phenotype(s). Given the available evidence, this variant is classified as Likely Pathogenic.

NM_138694.4(PKHD1):c.11319_11325del (p.Arg3773fs)

Gene: PKHD1 (PKHD1 ciliary IPT domain containing fibrocystin/polyductin; minus strand). Cytogenetic location: 6p12.3.
Variant type: Deletion.
Coding change: c.11319_11325del on transcript NM_138694.4 (MANE Select); coding-DNA positions 11319 to 11325, 7 bases deleted (AGTAGAG; older notation c.11319_11325delAGTAGAG).
Protein change: p.Arg3773fs; shifts the reading frame from arginine 3773.
Molecular consequence: frameshift variant.
Genome position (GRCh38, 1-based): chr6:51,648,104-51,648,110, CTCTACT deleted on the plus strand (AGTAGAG on the coding strand, the reverse complement: PKHD1 is on the minus strand); deleting any 7 consecutive bases within chr6:51,648,104-51,648,112 gives the same sequence; the c. name uses the placement nearest the transcript's 3' end. VCF-style (leftmost placement, unchanged base first): chr6-51648103-ACTCTACT-A. GRCh37 (hg19) VCF-style: chr6-51512901-ACTCTACT-A.
Other names: short protein forms R3773fs.
Identifiers: ClinVar variation 4816552 (VCV004816552.1).